The following is an entry in ClinVar:

ClinVar aggregate classification (germline): Likely benign. Review status: criteria provided, multiple submitters, no conflicts (2 of 4 stars). 4 submissions from 4 submitters: Likely benign (4). Last evaluated 2026-09-15.

Conditions:
ZNF469-related disorder. Also called: ZNF469-related condition.
Cardiovascular phenotype. Identifiers: MedGen CN230736.

Allele frequency attached by ClinVar (database versions not stated): TOPMed 0.00006; gnomAD 0.00012; gnomAD exomes 0.00025; 1000 Genomes Project 0.00100; 1000 Genomes Project 30x 0.00141; ExAC 0.00365.
gnomAD v4.1: 355 of 1,520,742 alleles (0.023%); highest among the groups gnomAD compares: South Asian, 0.39%; 7 homozygotes.

Submissions (4):

PreventionGenetics, part of Exact Sciences
Classification: Likely benign for ZNF469-related condition. Last evaluated: 2026-09-15. Review status: criteria provided, single submitter. Criteria: ACMG Guidelines, 2015. Collection method: clinical testing. Allele origin: germline.
Comment: This variant is classified as likely benign based on ACMG/AMP sequence variant interpretation guidelines (Richards et al. 2015 PMID: 25741868, with internal and published modifications).

Women's Health and Genetics/Laboratory Corporation of America, LabCorp
Classification: Likely benign. Last evaluated: 2026-04-16. Review status: criteria provided, single submitter. Criteria: LabCorp Variant Classification Summary - May 2015. Collection method: clinical testing. Allele origin: germline.
Comment: Variant summary: ZNF469 c.2945G>A (p.Arg982Lys) results in a conservative amino acid change in the encoded protein sequence. Algorithms developed to predict the effect of missense changes on protein structure and function are either unavailable or do not agree on the potential impact of this missense change. The variant allele was found at a frequency of 0.00086 in 120970 control chromosomes, predominantly at a frequency of 0.0044 within the South Asian subpopulation in the gnomAD database. The observed variant frequency within South Asian control individuals in the gnomAD database exceeds the estimated maximal expected allele frequency for disease-causing variants in ZNF469. c.2945G>A has been observed in at least 1 individual(s) affected with keratoconus (example, Yu_2017) without strong evidence for causality. These report(s) do not provide unequivocal conclusions about association of the variant with Brittle cornea syndrome 1. To our knowledge, no experimental evidence demonstrating an impact on protein function has been reported. The following publication has been ascertained in the context of this evaluation (PMID: 28484309). ClinVar contains an entry for this variant (Variation ID: 1797964). Based on the evidence outlined above, the variant was classified as likely benign.

Labcorp Genetics (formerly Invitae), Labcorp
Classification: Likely benign. Last evaluated: 2026-01-25. Review status: criteria provided, single submitter. Criteria: Invitae Variant Classification Sherloc (09022015). Collection method: clinical testing. Allele origin: germline.

Ambry Genetics
Classification: Likely benign for Cardiovascular phenotype. Last evaluated: 2019-10-22. Review status: criteria provided, single submitter. Criteria: Ambry Variant Classification Scheme 2023. Collection method: clinical testing. Allele origin: germline.

Literature cited by the submitters: PubMed 28484309 (cited by Women's Health and Genetics/Laboratory Corporation of America, LabCorp).

NM_001367624.2(ZNF469):c.2945G>A (p.Arg982Lys)

Gene: ZNF469 (zinc finger protein 469; plus strand). Cytogenetic location: 16q24.2.
Variant type: single nucleotide variant.
Coding change: c.2945G>A on transcript NM_001367624.2 (MANE Select); coding-DNA position 2945, G replaced by A.
Protein change: p.Arg982Lys; replaces arginine 982 with lysine.
Molecular consequence: missense variant.
Genome position (GRCh38, 1-based): chr16:88,430,415, G>A. VCF-style: chr16-88430415-G-A. GRCh37 (hg19) VCF-style: chr16-88496823-G-A.
Other names: NM_001127464.1:c.2945G>A; NM_001127464.2:c.2945G>A; short protein forms R982K.
Identifiers: ClinVar variation 1797964 (VCV001797964.9), dbSNP rs558361075, ClinGen allele CA8224817.